The following is an entry in ClinVar:

NM_014319.5(LEMD3):c.769A>G (p.Asn257Asp)

Gene: LEMD3 (LEM domain containing 3; plus strand). Cytogenetic location: 12q14.3.
Variant type: single nucleotide variant.
Coding change: c.769A>G on transcript NM_014319.5 (MANE Select); coding-DNA position 769, A replaced by G.
Protein change: p.Asn257Asp; replaces asparagine 257 with aspartic acid.
Molecular consequence: missense variant.
Genome position (GRCh38, 1-based): chr12:65,170,365, A>G. VCF-style: chr12-65170365-A-G. GRCh37 (hg19) VCF-style: chr12-65564145-A-G.
Other names: c.769A>G, p.Asn257Asp (NM_001167614.2); short protein forms N257D.
Identifiers: ClinVar variation 3686040 (VCV003686040.4).

ClinVar aggregate classification (germline): Uncertain significance. Review status: criteria provided, multiple submitters, no conflicts (2 of 4 stars). 2 submissions from 2 submitters: Uncertain significance (2). Last evaluated 2025-10-24.

Conditions:
Dermatofibrosis lenticularis disseminata (BOS). Also called: DERMATOFIBROSIS LENTICULARIS DISSEMINATA WITH OSTEOPOIKILOSIS; DERMATOOSTEOPOIKILOSIS; OSTEOPATHIA CONDENSANS DISSEMINATA. Identifiers: Orphanet 1306, MedGen C0265514, MONDO:0008157, OMIM 166700.

Submissions (2):

Dasa
Classification: Uncertain significance for Buschke-Ollendorff syndrome. Last evaluated: 2025-10-24. Review status: criteria provided, single submitter. Criteria: DASA Assertion Criteria. Collection method: clinical testing. Allele origin: germline.
Comment: NM_014319.5(LEMD3):c.769A>G (p.Asn257Asp) is a missense variant that results in the substitution of asparagine with aspartic acid. This variant is rare in population databases. Computational prediction algorithms are consistent with a benign effect. The currently available literature and clinical evidence are not sufficient to establish a definitive association between this variant and the reported condition. Therefore, this variant is classified as a variant of uncertain significance.

Labcorp Genetics (formerly Invitae), Labcorp
Classification: Uncertain significance. Last evaluated: 2024-10-30. Review status: criteria provided, single submitter. Criteria: Invitae Variant Classification Sherloc (09022015). Collection method: clinical testing. Allele origin: germline.
Comment: This sequence change replaces asparagine, which is neutral and polar, with aspartic acid, which is acidic and polar, at codon 257 of the LEMD3 protein (p.Asn257Asp). This variant is not present in population databases (gnomAD no frequency). This variant has not been reported in the literature in individuals affected with LEMD3-related conditions. Invitae Evidence Modeling of protein sequence and biophysical properties (such as structural, functional, and spatial information, amino acid conservation, physicochemical variation, residue mobility, and thermodynamic stability) indicates that this missense variant is not expected to disrupt LEMD3 protein function with a negative predictive value of 80%. In summary, the available evidence is currently insufficient to determine the role of this variant in disease. Therefore, it has been classified as a Variant of Uncertain Significance.